The following is an entry in ClinVar:

NM_001365951.3(KIF1B):c.696T>A (p.Asn232Lys)

Gene: KIF1B (kinesin family member 1B; plus strand). Cytogenetic location: 1p36.22.
Variant type: single nucleotide variant.
Coding change: c.696T>A on transcript NM_001365951.3 (MANE Select); coding-DNA position 696, T replaced by A.
Protein change: p.Asn232Lys; replaces asparagine 232 with lysine.
Molecular consequence: missense variant.
Genome position (GRCh38, 1-based): chr1:10,268,239, T>A. VCF-style: chr1-10268239-T-A. GRCh37 (hg19) VCF-style: chr1-10328297-T-A.
Other names: c.696T>A, p.Asn232Lys (NM_001365952.1, NM_001365953.1, NM_015074.3 and 1 more transcripts); short protein forms N232K.
Identifiers: ClinVar variation 2497127 (VCV002497127.2), dbSNP rs1648579885, ClinGen allele CA338330600.

ClinVar aggregate classification (germline): Uncertain significance (1 of 4 stars; one submission).

Submission:

Ambry Genetics
Classification: Uncertain significance. Last evaluated: 2023-02-28. Review status: criteria provided, single submitter. Criteria: Ambry Variant Classification Scheme 2023. Collection method: clinical testing. Allele origin: germline.
Comment: The p.N232K variant (also known as c.696T>A), located in coding exon 6 of the KIF1B gene, results from a T to A substitution at nucleotide position 696. The asparagine at codon 232 is replaced by lysine, an amino acid with similar properties. This amino acid position is conserved. In addition, this alteration is predicted to be tolerated by in silico analysis. Since supporting evidence is limited at this time, the clinical significance of this alteration remains unclear.